The following is an entry in ClinVar:

ClinVar aggregate classification (germline): Uncertain significance. Review status: criteria provided, multiple submitters, no conflicts (2 of 4 stars). 3 submissions from 3 submitters: Uncertain significance (2). 1 of the submissions does not count toward it. Last evaluated 2025-08-22.

Conditions:
Inborn genetic diseases. Identifiers: MedGen C0950123, MeSH D030342.
KIDINS220-related disorder. Also called: KIDINS220-related condition.

Allele frequency attached by ClinVar (database versions not stated): gnomAD exomes below 0.00001 and 0.00001; ExAC 0.00001; gnomAD 0.00001; TOPMed 0.00003.
gnomAD v4.1: 13 of 1,614,026 alleles (0.00081%); highest among the groups gnomAD compares: African/African-American, 0.0013%; no homozygotes.

Submissions (3):

Ambry Genetics
Classification: Uncertain significance for Inborn genetic diseases. Last evaluated: 2025-08-22. Review status: criteria provided, single submitter. Criteria: Ambry Variant Classification Scheme 2023. Collection method: clinical testing. Allele origin: germline.

Labcorp Genetics (formerly Invitae), Labcorp
Classification: Uncertain significance. Last evaluated: 2021-11-05. Review status: criteria provided, single submitter. Criteria: Invitae Variant Classification Sherloc (09022015). Collection method: clinical testing. Allele origin: germline.
Comment: This sequence change replaces tyrosine, which is neutral and polar, with cysteine, which is neutral and slightly polar, at codon 1324 of the KIDINS220 protein (p.Tyr1324Cys). In summary, the available evidence is currently insufficient to determine the role of this variant in disease. Therefore, it has been classified as a Variant of Uncertain Significance. Algorithms developed to predict the effect of missense changes on protein structure and function are either unavailable or do not agree on the potential impact of this missense change (SIFT: "Deleterious"; PolyPhen-2: "Possibly Damaging"; Align-GVGD: "Class C0"). This variant has not been reported in the literature in individuals affected with KIDINS220-related conditions. This variant is present in population databases (rs747809218, gnomAD 0.002%).

PreventionGenetics, part of Exact Sciences
Classification: Uncertain significance for KIDINS220-related condition. Last evaluated: 2024-09-12. Review status: no assertion criteria provided. Collection method: clinical testing. Allele origin: germline. Not counted in ClinVar's aggregate classification.
Comment: The KIDINS220 c.3971A>G variant is predicted to result in the amino acid substitution p.Tyr1324Cys. To our knowledge, this variant has not been reported in the literature. This variant is reported in 0.0016% of alleles in individuals of European (Non-Finnish) descent in gnomAD. At this time, the clinical significance of this variant is uncertain due to the absence of conclusive functional and genetic evidence.

NM_020738.4(KIDINS220):c.3971A>G (p.Tyr1324Cys)

Gene: KIDINS220 (kinase D interacting substrate 220; minus strand). Cytogenetic location: 2p25.1.
Variant type: single nucleotide variant.
Coding change: c.3971A>G on transcript NM_020738.4 (MANE Select); coding-DNA position 3971, A replaced by G.
Protein change: p.Tyr1324Cys; replaces tyrosine 1324 with cysteine.
Molecular consequence: missense variant. On other transcripts: non-coding transcript variant (2).
Genome position (GRCh38, 1-based): chr2:8,733,526, T>C on the plus strand (A>G on the coding strand, the complement: KIDINS220 is on the minus strand). VCF-style: chr2-8733526-T-C. GRCh37 (hg19) VCF-style: chr2-8873656-T-C.
Other names: c.3971A>G (NM_020738.2); c.3974A>G, p.Tyr1325Cys (NM_001348729.2); c.3917A>G, p.Tyr1306Cys (NM_001348731.2); c.3914A>G, p.Tyr1305Cys (NM_001348732.2, NM_001348738.2); c.3803A>G, p.Tyr1268Cys (NM_001348734.2, NM_001348739.2, NM_001348740.2); c.3800A>G, p.Tyr1267Cys (NM_001348735.2, NM_001348741.2, NM_001348742.2 and 1 more transcripts); c.3674A>G, p.Tyr1225Cys (NM_001348736.2); short protein forms Y1306C, Y1324C, Y1225C, Y1305C, Y1325C, Y1267C, Y1268C.
Identifiers: ClinVar variation 1365622 (VCV001365622.9), dbSNP rs747809218, ClinGen allele CA1519457.